The following is an entry in ClinVar:

ClinVar aggregate classification (germline): Pathogenic. Review status: reviewed by expert panel (3 of 4 stars). 5 submissions from 5 submitters: Pathogenic (1). 4 of the submissions do not count toward it. Last evaluated 2016-09-08.

Conditions:
Hereditary cancer-predisposing syndrome. Also called: Tumor predisposition; Hereditary neoplastic syndrome; Hereditary Cancer Syndrome; Neoplastic Syndromes, Hereditary. Identifiers: Orphanet 140162, MedGen C0027672, MeSH D009386, MONDO:0015356.
Hereditary breast ovarian cancer syndrome. Also called: Hereditary breast and/or ovarian cancer syndrome; Breast and ovarian cancer; Hereditary breast and ovarian cancer syndrome; Hereditary breast and ovarian cancer; Hereditary breast and ovarian cancer syndrome (HBOC); BRCA1- and BRCA2-Associated Hereditary Breast and Ovarian Cancer. Identifiers: Orphanet 145, MedGen C0677776, MeSH D061325, MONDO:0003582. Disease mechanism: loss of function.
Breast-ovarian cancer, familial, susceptibility to, 1 (BROVCA1). Also called: BRCA1 Hereditary Breast and Ovarian Cancer; OVARIAN CANCER, SUSCEPTIBILITY TO. Identifiers: Orphanet 145, MedGen C2676676, MONDO:0011450, OMIM 604370. Disease mechanism: loss of function.

Submissions (5):

Evidence-based Network for the Interpretation of Germline Mutant Alleles (ENIGMA)
Classification: Pathogenic for Breast-ovarian cancer, familial, susceptibility to, 1. Last evaluated: 2016-09-08. Review status: reviewed by expert panel. Criteria: ENIGMA BRCA1/2 Classification Criteria (2015). Collection method: curation. Allele origin: germline.
Comment: Variant allele predicted to encode a truncated non-functional protein.

Labcorp Genetics (formerly Invitae), Labcorp
Classification: Pathogenic for Hereditary breast ovarian cancer syndrome. Last evaluated: 2025-05-04. Review status: criteria provided, single submitter. Criteria: Invitae Variant Classification Sherloc (09022015). Collection method: clinical testing. Allele origin: germline. Not counted in ClinVar's aggregate classification.
Comment: This sequence change creates a premature translational stop signal (p.Ala92Phefs*4) in the BRCA1 gene. It is expected to result in an absent or disrupted protein product. Loss-of-function variants in BRCA1 are known to be pathogenic (PMID: 20104584). This variant is not present in population databases (gnomAD no frequency). This premature translational stop signal has been observed in individual(s) with a personal or family history of breast and/or ovarian cancer (PMID: 27425403). ClinVar contains an entry for this variant (Variation ID: 156189). For these reasons, this variant has been classified as Pathogenic.

Quest Diagnostics Nichols Institute San Juan Capistrano
Classification: Pathogenic. Last evaluated: 2019-06-11. Review status: criteria provided, single submitter. Criteria: Quest Diagnostics criteria. Collection method: clinical testing. Allele origin: germline. Not counted in ClinVar's aggregate classification.
Comment: The variant results in a shift of the reading frame, and is therefore predicted to result in the loss of a functional protein. Found in at least one symptomatic internal patient and in literature, and not found in general population data.

Ambry Genetics
Classification: Pathogenic for Hereditary cancer-predisposing syndrome. Last evaluated: 2016-12-28. Review status: criteria provided, single submitter. Criteria: Ambry Variant Classification Scheme 2023. Collection method: clinical testing. Allele origin: germline. Not counted in ClinVar's aggregate classification.
Comment: The c.273_274delTG pathogenic mutation, located in coding exon 4 of the BRCA1 gene, results from a deletion of two nucleotides at nucleotide positions 273 to 274, causing a translational frameshift with a predicted alternate stop codon (p.A92Ffs*4). This alteration is expected to result in loss of function by premature protein truncation or nonsense-mediated mRNA decay. As such, this alteration is interpreted as a disease-causing mutation.

Sharing Clinical Reports Project (SCRP)
Classification: Pathogenic for Breast-ovarian cancer, familial 1. Last evaluated: 2012-01-05. Review status: no assertion criteria provided. Collection method: clinical testing. Allele origin: germline. Not counted in ClinVar's aggregate classification.

Literature cited by the submitters: PubMed 20104584 (cited by Labcorp Genetics (formerly Invitae), Labcorp); PubMed 27425403 (cited by Labcorp Genetics (formerly Invitae), Labcorp and Quest Diagnostics Nichols Institute San Juan Capistrano); PubMed 29907814 (cited by Quest Diagnostics Nichols Institute San Juan Capistrano).

NM_007294.4(BRCA1):c.273_274del (p.Ala92fs)

Gene: BRCA1 (BRCA1 DNA repair associated; minus strand). Cytogenetic location: 17q21.31.
Variant type: Microsatellite.
Coding change: c.273_274del on transcript NM_007294.4 (MANE Select); coding-DNA positions 273 to 274, 2 bases deleted (TG; older notation c.273_274delTG).
Protein change: p.Ala92fs; shifts the reading frame from alanine 92.
Molecular consequence: frameshift variant. On other transcripts: non-coding transcript variant (1).
Genome position (GRCh38, 1-based): chr17:43,104,895-43,104,896, CA deleted on the plus strand (TG on the coding strand, the reverse complement: BRCA1 is on the minus strand); deleting any 2 consecutive bases within chr17:43,104,895-43,104,898 gives the same sequence; the c. name uses the placement nearest the transcript's 3' end. VCF-style (leftmost placement, unchanged base first): chr17-43104894-GCA-G. GRCh37 (hg19) VCF-style: chr17-41256911-GCA-G.
Other names: 392delTG; c.273_274del (NM_007294.3); c.273_274delTG (NM_007294.3); c.61_62TG[1], p.Ala22Phefs (NM_001408478.1, NM_001408479.1, NM_001407571.1 and 58 more transcripts); c.271_272TG[1], p.Ala92Phefs (NM_001407581.1, NM_001407582.1, NM_001407583.1 and 167 more transcripts); c.130_131TG[1], p.Ala45Phefs (NM_001408496.1, NM_001408497.1, NM_001408498.1 and 98 more transcripts); c.-111_-110TG[1] (NM_001408510.1, NM_001408512.1, NM_001407959.1 and 4 more transcripts); c.132_133del, p.Ala45fs (NM_007297.4); and 3 more; short protein forms A45fs, A92fs.
Identifiers: ClinVar variation 156189 (VCV000156189.19), dbSNP rs587776485, ClinGen allele CA001800.